The following is an entry in ClinVar:

NM_007294.4(BRCA1):c.3900C>T (p.Cys1300=)

Genes: BRCA1 (BRCA1 DNA repair associated; minus strand), LOC126862571 (BRD4-independent group 4 enhancer GRCh37_chr17:41243136-41244335; plus strand). Cytogenetic location: 17q21.31.
Variant type: single nucleotide variant.
Coding change: c.3900C>T on transcript NM_007294.4 (MANE Select); coding-DNA position 3900, C replaced by T.
Protein change: p.Cys1300=; no amino-acid change (cysteine 1300 retained).
Molecular consequence: synonymous variant. On other transcripts: intron variant (135).
Genome position (GRCh38, 1-based): chr17:43,091,631, G>A on the plus strand (C>T on the coding strand, the complement: BRCA1 is on the minus strand). VCF-style: chr17-43091631-G-A. GRCh37 (hg19) VCF-style: chr17-41243648-G-A.
Other names: p.C1300C:TGC>TGT; c.3822C>T, p.Cys1274= (NM_001407655.1, NM_001407656.1, NM_001407657.1 and 4 more transcripts); c.3819C>T, p.Cys1273= (NM_001407659.1, NM_001407660.1, NM_001407661.1 and 1 more transcripts); c.3777C>T, p.Cys1259= (NM_001407664.1, NM_001407665.1, NM_001407666.1 and 19 more transcripts); c.3774C>T, p.Cys1258= (NM_001407670.1, NM_001407671.1, NM_001407672.1 and 11 more transcripts); c.3900C>T, p.Cys1300= (NM_001407684.1, NM_001407854.1, NM_001407858.1 and 30 more transcripts); c.3759C>T, p.Cys1253= (NM_001407692.1, NM_001407694.1, NM_001407695.1 and 29 more transcripts); c.3756C>T, p.Cys1252= (NM_001407740.1, NM_001407741.1, NM_001407742.1 and 20 more transcripts); and 42 more.
Identifiers: ClinVar variation 182095 (VCV000182095.20), dbSNP rs730881454, ClinGen allele CA002509.

ClinVar aggregate classification (germline): Likely benign. Review status: reviewed by expert panel (3 of 4 stars). 5 submissions from 5 submitters: Likely benign (1). 4 of the submissions do not count toward it. Last evaluated 2017-06-29.

Conditions:
Hereditary cancer-predisposing syndrome. Also called: Hereditary Cancer Syndrome; Hereditary neoplastic syndrome; Tumor predisposition; Neoplastic Syndromes, Hereditary. Identifiers: Orphanet 140162, MedGen C0027672, MeSH D009386, MONDO:0015356.
Hereditary breast ovarian cancer syndrome. Also called: Hereditary breast and ovarian cancer syndrome; Hereditary breast and ovarian cancer syndrome (HBOC); BRCA1- and BRCA2-Associated Hereditary Breast and Ovarian Cancer; Breast and ovarian cancer; Hereditary breast and ovarian cancer; Hereditary breast and/or ovarian cancer syndrome. Identifiers: Orphanet 145, MedGen C0677776, MeSH D061325, MONDO:0003582. Disease mechanism: loss of function.
Breast-ovarian cancer, familial, susceptibility to, 1 (BROVCA1). Also called: OVARIAN CANCER, SUSCEPTIBILITY TO; BRCA1 Hereditary Breast and Ovarian Cancer. Identifiers: Orphanet 145, MedGen C2676676, MONDO:0011450, OMIM 604370. Disease mechanism: loss of function.

Allele frequency attached by ClinVar (database versions not stated): gnomAD 0.00001; gnomAD exomes below 0.00001; TOPMed below 0.00001.
gnomAD v4.1: 3 of 1,614,052 alleles (0.00019%); highest among the groups gnomAD compares: Non-Finnish European, 0.00025%; no homozygotes.

Submissions (5):

Evidence-based Network for the Interpretation of Germline Mutant Alleles (ENIGMA)
Classification: Likely benign for Breast-ovarian cancer, familial, susceptibility to, 1. Last evaluated: 2017-06-29. Review status: reviewed by expert panel. Criteria: ENIGMA BRCA1/2 Classification Criteria (2017-06-29). Collection method: curation. Allele origin: germline.
Comment: Synonymous substitution variant, with low bioinformatic likelihood to result in a splicing aberration (Splicing prior probability 0.02).

Labcorp Genetics (formerly Invitae), Labcorp
Classification: Likely benign for Hereditary breast ovarian cancer syndrome. Last evaluated: 2025-09-22. Review status: criteria provided, single submitter. Criteria: Invitae Variant Classification Sherloc (09022015). Collection method: clinical testing. Allele origin: germline. Not counted in ClinVar's aggregate classification.

Color Diagnostics, LLC DBA Color Health
Classification: Likely benign for Hereditary cancer-predisposing syndrome. Last evaluated: 2024-10-15. Review status: criteria provided, single submitter. Criteria: ACMG Guidelines, 2015. Collection method: clinical testing. Allele origin: germline. Not counted in ClinVar's aggregate classification.

Ambry Genetics
Classification: Likely benign for Hereditary cancer-predisposing syndrome. Last evaluated: 2019-04-15. Review status: criteria provided, single submitter. Criteria: Ambry Variant Classification Scheme 2023. Collection method: clinical testing. Allele origin: germline. Not counted in ClinVar's aggregate classification.

GeneDx
Classification: Benign. Last evaluated: 2014-07-21. Review status: criteria provided, single submitter. Criteria: GeneDx Variant Classification (06012015). Collection method: clinical testing. Allele origin: germline. Affected: yes. Not counted in ClinVar's aggregate classification.
Comment: This variant is considered likely benign or benign based on one or more of the following criteria: it is a conservative change, it occurs at a poorly conserved position in the protein, it is predicted to be benign by multiple in silico algorithms, and/or has population frequency not consistent with disease.